The following is an entry in ClinVar:

NM_004329.3(BMPR1A):c.333+6A>T

Gene: BMPR1A (bone morphogenetic protein receptor type 1A; plus strand). Cytogenetic location: 10q23.2.
Variant type: single nucleotide variant.
Coding change: c.333+6A>T on transcript NM_004329.3 (MANE Select); 6 bases into the intron after coding-DNA position 333, A replaced by T.
Molecular consequence: intron variant.
Genome position (GRCh38, 1-based): chr10:86,892,235, A>T. VCF-style: chr10-86892235-A-T. GRCh37 (hg19) VCF-style: chr10-88651992-A-T.
Identifiers: ClinVar variation 926477 (VCV000926477.5), dbSNP rs1473659802, ClinGen allele CA1139661552.
Genomic context (GRCh38, chr10:86,892,235, plus strand): 5'-AACCACATTAGCTTCAGGGTGTATGAAATATGAAGGATCTGATTTTCAGTGCAAAGTAAG[A>T]TATAATTTGGGACCCATGAGACAAAGAAGGGAGGGGCCATATGAAAGCATCGATTTCCCC-3'

ClinVar aggregate classification (germline): Conflicting classifications of pathogenicity. Review status: criteria provided, conflicting classifications (1 of 4 stars). 3 submissions from 3 submitters: Uncertain significance (2); Likely benign (1). Last evaluated 2024-03-16.

Conditions:
Juvenile polyposis syndrome (JPS). Identifiers: Orphanet 2929, MedGen C0345893, MONDO:0017380, OMIM 174900.
Hereditary cancer-predisposing syndrome. Also called: Tumor predisposition; Hereditary neoplastic syndrome; Neoplastic Syndromes, Hereditary; Hereditary Cancer Syndrome. Identifiers: Orphanet 140162, MedGen C0027672, MeSH D009386, MONDO:0015356.

Allele frequency attached by ClinVar (database versions not stated): gnomAD 0.00001.
gnomAD v4.1: 1 of 1,609,794 alleles (0.000062%); highest among the groups gnomAD compares: East Asian, 0.0022%; no homozygotes.

Submissions (3):

Labcorp Genetics (formerly Invitae), Labcorp
Classification: Uncertain significance for Juvenile polyposis syndrome. Last evaluated: 2024-03-16. Review status: criteria provided, single submitter. Criteria: Invitae Variant Classification Sherloc (09022015). Collection method: clinical testing. Allele origin: germline.
Comment: This sequence change falls in intron 5 of the BMPR1A gene. It does not directly change the encoded amino acid sequence of the BMPR1A protein. It affects a nucleotide within the consensus splice site. This variant is not present in population databases (gnomAD no frequency). This variant has not been reported in the literature in individuals affected with BMPR1A-related conditions. ClinVar contains an entry for this variant (Variation ID: 926477). Variants that disrupt the consensus splice site are a relatively common cause of aberrant splicing (PMID: 17576681, 9536098). Algorithms developed to predict the effect of sequence changes on RNA splicing suggest that this variant is not likely to affect RNA splicing. In summary, the available evidence is currently insufficient to determine the role of this variant in disease. Therefore, it has been classified as a Variant of Uncertain Significance.

Sema4
Classification: Uncertain significance for Hereditary cancer-predisposing syndrome. Last evaluated: 2021-09-15. Review status: criteria provided, single submitter. Criteria: Sema4 Curation Guidelines. Collection method: curation. Allele origin: germline.
Comment: The BMPR1A c.333+6A>T variant has not been reported in the literature to our knowledge. It was not observed in the large and broad cohorts of the Genome Aggregation Database, but has been reported in ClinVar (Variation ID 926477). In silico tools suggest the variant does not disrupt normal splicing, though these predictions have not been confirmed by functional studies. The evidence is insufficient to meet ACMG/AMP criteria for classifying the variant as benign or pathogenic. Thus, the clinical significance of this variant is currently uncertain.

Color Diagnostics, LLC DBA Color Health
Classification: Likely benign for Hereditary cancer-predisposing syndrome. Last evaluated: 2019-12-09. Review status: criteria provided, single submitter. Criteria: ACMG Guidelines, 2015. Collection method: clinical testing. Allele origin: germline.

Literature cited by the submitters: PubMed 17576681 (cited by Labcorp Genetics (formerly Invitae), Labcorp); PubMed 9536098 (cited by Labcorp Genetics (formerly Invitae), Labcorp).